The following is an entry in ClinVar:

NM_000057.4(BLM):c.2422C>G (p.Arg808Gly)

Gene: BLM (BLM RecQ like helicase; plus strand). Cytogenetic location: 15q26.1.
Variant type: single nucleotide variant.
Coding change: c.2422C>G on transcript NM_000057.4 (MANE Select); coding-DNA position 2422, C replaced by G.
Protein change: p.Arg808Gly; replaces arginine 808 with glycine.
Molecular consequence: missense variant.
Genome position (GRCh38, 1-based): chr15:90,769,453, C>G. VCF-style: chr15-90769453-C-G. GRCh37 (hg19) VCF-style: chr15-91312683-C-G.
Other names: c.2422C>G, p.Arg808Gly (NM_001287246.2, NM_001287247.2); c.1297C>G, p.Arg433Gly (NM_001287248.2); short protein forms R433G, R808G.
Identifiers: ClinVar variation 1989496 (VCV001989496.5), dbSNP rs759330541, ClinGen allele CA393845283.

ClinVar aggregate classification (germline): Uncertain significance. Review status: criteria provided, multiple submitters, no conflicts (2 of 4 stars). 3 submissions from 3 submitters: Uncertain significance (3). Last evaluated 2026-07-06.

Conditions:
Hereditary cancer-predisposing syndrome. Also called: Hereditary neoplastic syndrome; Neoplastic Syndromes, Hereditary; Tumor predisposition; Hereditary Cancer Syndrome. Identifiers: Orphanet 140162, MedGen C0027672, MeSH D009386, MONDO:0015356.
Bloom syndrome (BLM). Also called: Bloom-Torre-Machacek syndrome. Identifiers: Orphanet 125, MedGen C0005859, MONDO:0008876, OMIM 210900.

Submissions (3):

Ambry Genetics
Classification: Uncertain significance for Hereditary cancer-predisposing syndrome. Last evaluated: 2026-07-06. Review status: criteria provided, single submitter. Criteria: Ambry Variant Classification Scheme 2023. Collection method: clinical testing. Allele origin: germline.
Comment: The p.R808G variant (also known as c.2422C>G), located in coding exon 11 of the BLM gene, results from a C to G substitution at nucleotide position 2422. The arginine at codon 808 is replaced by glycine, an amino acid with dissimilar properties. This amino acid position is conserved. In addition, the in silico prediction for this alteration is inconclusive. Based on the available evidence, the clinical significance of this variant remains unclear.

Labcorp Genetics (formerly Invitae), Labcorp
Classification: Uncertain significance for Bloom syndrome. Last evaluated: 2024-07-19. Review status: criteria provided, single submitter. Criteria: Invitae Variant Classification Sherloc (09022015). Collection method: clinical testing. Allele origin: germline.
Comment: This sequence change replaces arginine, which is basic and polar, with glycine, which is neutral and non-polar, at codon 808 of the BLM protein (p.Arg808Gly). This variant is not present in population databases (gnomAD no frequency). This variant has not been reported in the literature in individuals affected with BLM-related conditions. ClinVar contains an entry for this variant (Variation ID: 1989496). Advanced modeling of protein sequence and biophysical properties (such as structural, functional, and spatial information, amino acid conservation, physicochemical variation, residue mobility, and thermodynamic stability) performed at Invitae indicates that this missense variant is expected to disrupt BLM protein function with a positive predictive value of 80%. In summary, the available evidence is currently insufficient to determine the role of this variant in disease. Therefore, it has been classified as a Variant of Uncertain Significance.

GeneDx
Classification: Uncertain significance. Last evaluated: 2024-06-01. Review status: criteria provided, single submitter. Criteria: GeneDx Variant Classification Process June 2021. Collection method: clinical testing. Allele origin: germline. Affected: yes.
Comment: Not observed at significant frequency in large population cohorts (gnomAD); In silico analysis supports that this missense variant has a deleterious effect on protein structure/function; Has not been previously published as pathogenic or benign to our knowledge